The following is an entry in ClinVar:

NM_000426.4(LAMA2):c.5078A>G (p.Asn1693Ser)

Gene: LAMA2 (laminin subunit alpha 2; plus strand). Cytogenetic location: 6q22.33.
Variant type: single nucleotide variant.
Coding change: c.5078A>G on transcript NM_000426.4 (MANE Select); coding-DNA position 5078, A replaced by G.
Protein change: p.Asn1693Ser; replaces asparagine 1693 with serine.
Molecular consequence: missense variant.
Genome position (GRCh38, 1-based): chr6:129,391,497, A>G. VCF-style: chr6-129391497-A-G. GRCh37 (hg19) VCF-style: chr6-129712642-A-G.
Other names: c.5078A>G, p.Asn1693Ser (NM_001079823.2); short protein forms N1693S.
Identifiers: ClinVar variation 543857 (VCV000543857.11), dbSNP rs1554286924, ClinGen allele CA365613904.

ClinVar aggregate classification (germline): Uncertain significance. Review status: criteria provided, multiple submitters, no conflicts (2 of 4 stars). 2 submissions from 2 submitters: Uncertain significance (2). Last evaluated 2022-06-20.

Conditions:
LAMA2-related muscular dystrophy (LAMA2-RD). Also called: Laminin alpha 2-related dystrophy. Identifiers: MedGen C5679788, MONDO:0100228.

Allele frequency attached by ClinVar (database versions not stated): gnomAD exomes below 0.00001.
gnomAD v4.1: 1 of 1,613,672 alleles (0.000062%); highest among the groups gnomAD compares: Non-Finnish European, 0.000085%; no homozygotes.

Submissions (2):

Labcorp Genetics (formerly Invitae), Labcorp
Classification: Uncertain significance for LAMA2-related muscular dystrophy. Last evaluated: 2022-06-20. Review status: criteria provided, single submitter. Criteria: Invitae Variant Classification Sherloc (09022015). Collection method: clinical testing. Allele origin: germline.
Comment: In summary, the available evidence is currently insufficient to determine the role of this variant in disease. Therefore, it has been classified as a Variant of Uncertain Significance. Advanced modeling of protein sequence and biophysical properties (such as structural, functional, and spatial information, amino acid conservation, physicochemical variation, residue mobility, and thermodynamic stability) performed at Invitae indicates that this missense variant is not expected to disrupt LAMA2 protein function. ClinVar contains an entry for this variant (Variation ID: 543857). This variant has not been reported in the literature in individuals affected with LAMA2-related conditions. This variant is not present in population databases (gnomAD no frequency). This sequence change replaces asparagine, which is neutral and polar, with serine, which is neutral and polar, at codon 1693 of the LAMA2 protein (p.Asn1693Ser).

Revvity Omics, Revvity
Classification: Uncertain significance. Last evaluated: 2021-05-10. Review status: criteria provided, single submitter. Criteria: ACMG Guidelines, 2015. Collection method: clinical testing. Allele origin: germline.